The following is an entry in ClinVar:

ClinVar aggregate classification (germline): Uncertain significance. Review status: criteria provided, multiple submitters, no conflicts (2 of 4 stars). 2 submissions from 2 submitters: Uncertain significance (2). Last evaluated 2026-01-28.

Conditions:
Hereditary cancer-predisposing syndrome. Also called: Hereditary Cancer Syndrome; Hereditary neoplastic syndrome; Tumor predisposition; Neoplastic Syndromes, Hereditary. Identifiers: Orphanet 140162, MedGen C0027672, MeSH D009386, MONDO:0015356.
Cardiovascular phenotype. Identifiers: MedGen CN230736.

Allele frequency attached by ClinVar (database versions not stated): gnomAD 0.00001.
gnomAD v4.1: 1 of 1,613,918 alleles (0.000062%); highest among the groups gnomAD compares: African/African-American, 0.0013%; no homozygotes.

Submissions (2):

Labcorp Genetics (formerly Invitae), Labcorp
Classification: Uncertain significance. Last evaluated: 2026-01-28. Review status: criteria provided, single submitter. Criteria: Invitae Variant Classification Sherloc (09022015). Collection method: clinical testing. Allele origin: germline.
Comment: This sequence change replaces tyrosine, which is neutral and polar, with phenylalanine, which is neutral and non-polar, at codon 81 of the LZTR1 protein (p.Tyr81Phe). This variant is present in population databases (no rsID available, gnomAD 0.01%). This variant has not been reported in the literature in individuals affected with LZTR1-related conditions. ClinVar contains an entry for this variant (Variation ID: 1791140). Invitae Evidence Modeling of protein sequence and biophysical properties (such as structural, functional, and spatial information, amino acid conservation, physicochemical variation, residue mobility, and thermodynamic stability) indicates that this missense variant is not expected to disrupt LZTR1 protein function with a negative predictive value of 80%. In summary, the available evidence is currently insufficient to determine the role of this variant in disease. Therefore, it has been classified as a Variant of Uncertain Significance.

Ambry Genetics
Classification: Uncertain significance for Cardiovascular phenotype; Hereditary cancer-predisposing syndrome. Last evaluated: 2025-09-15. Review status: criteria provided, single submitter. Criteria: Ambry Variant Classification Scheme 2023. Collection method: clinical testing. Allele origin: germline.
Comment: The p.Y81F variant (also known as c.242A>T), located in coding exon 2 of the LZTR1 gene, results from an A to T substitution at nucleotide position 242. The tyrosine at codon 81 is replaced by phenylalanine, an amino acid with highly similar properties. This amino acid position is conserved. In addition, the in silico prediction for this alteration is inconclusive. Based on the available evidence, the clinical significance of this variant remains unclear.

NM_006767.4(LZTR1):c.242A>T (p.Tyr81Phe)

Gene: LZTR1 (leucine zipper like post translational regulator 1; plus strand). Cytogenetic location: 22q11.21.
Variant type: single nucleotide variant.
Coding change: c.242A>T on transcript NM_006767.4 (MANE Select); coding-DNA position 242, A replaced by T.
Protein change: p.Tyr81Phe; replaces tyrosine 81 with phenylalanine.
Molecular consequence: missense variant.
Genome position (GRCh38, 1-based): chr22:20,983,068, A>T. VCF-style: chr22-20983068-A-T. GRCh37 (hg19) VCF-style: chr22-21337357-A-T.
Other names: short protein forms Y81F.
Identifiers: ClinVar variation 1791140 (VCV001791140.8), dbSNP rs779864268, ClinGen allele CA410778382.
Genomic context (GRCh38, chr22:20,983,068, plus strand): 5'-TCCACTCCTTTCTTTCCAGGCGCAGCAAGCACACAGTGGTGGCCTATAAAGATGCCATTT[A>T]TGTATTTGGTGGAGACAATGGGTGAGTGAGTCTCAGCATCAGTGTTTGGACCAGGTAGGG-3'
Protein context (NP_006758.2, residues 71-91): HTVVAYKDAI[Tyr81Phe]VFGGDNGKTM